The following is an entry in ClinVar:

NM_001384140.1(PCDH15):c.2091+1dup

Gene: PCDH15 (protocadherin related 15; minus strand). Cytogenetic location: 10q21.1.
Variant type: Duplication.
Coding change: c.2091+1dup on transcript NM_001384140.1 (MANE Select); the canonical splice donor site of the intron after coding-DNA position 2091, one base duplicated (G; older notation c.2091+1dupG).
Molecular consequence: splice donor variant.
Genome position (GRCh38, 1-based): chr10:54,079,330, C duplicated on the plus strand (G on the coding strand, the reverse complement: PCDH15 is on the minus strand); the first of 4 consecutive C bases (chr10:54,079,330-54,079,333); duplicating any one gives the same sequence. VCF-style (leftmost placement, unchanged base first): chr10-54079329-A-AC. GRCh37 (hg19) VCF-style: chr10-55839089-A-AC.
Other names: c.2091+1dup (NM_001354420.2, NM_001354429.2, NM_001142772.2 and 5 more transcripts); c.2106+1dup (NM_001142771.2, NM_001142763.2); c.2112+1dup (NM_001354411.2); c.2127+1dup (NM_001142769.3); c.2025+1dup (NM_001354404.2, NM_001142773.2, NM_001142768.2); c.1980+1dup (NM_001142767.2); c.1878+1dup (NM_001142765.2).
Identifiers: ClinVar variation 3250391 (VCV003250391.1), dbSNP rs2539900762.

ClinVar aggregate classification (germline): Pathogenic (1 of 4 stars; one submission).

Conditions:
Usher syndrome type 1F (USH1F). Also called: USHER SYNDROME, TYPE IF. Identifiers: Orphanet 231169, Orphanet 886, MedGen C1865885, MONDO:0011186, OMIM 602083.

Submission:

Laboratory of Prof. Karen Avraham, Tel Aviv University
Classification: Pathogenic for Usher syndrome type 1F. Last evaluated: 2024-06-04. Review status: criteria provided, single submitter. Criteria: ACMG Guidelines, 2015. Collection method: research. Allele origin: germline. Affected: yes. Observed: 2 variant alleles.
Comment: A frameshift variant in a known USH1F gene with many nonsense and FS known mutations, including in exon 20

USH1F; profound HL